The following is an entry in ClinVar:

NM_022166.4(XYLT1):c.560G>A (p.Ser187Asn)

Genes: XYLT1 (xylosyltransferase 1; minus strand), LOC130058566 (ATAC-STARR-seq lymphoblastoid active region 10505; plus strand). Cytogenetic location: 16p12.3.
Variant type: single nucleotide variant.
Coding change: c.560G>A on transcript NM_022166.4 (MANE Select); coding-DNA position 560, G replaced by A.
Protein change: p.Ser187Asn; replaces serine 187 with asparagine.
Molecular consequence: missense variant.
Genome position (GRCh38, 1-based): chr16:17,259,341, C>T on the plus strand (G>A on the coding strand, the complement: XYLT1 is on the minus strand). VCF-style: chr16-17259341-C-T. GRCh37 (hg19) VCF-style: chr16-17353198-C-T.
Other names: c.560G>A (NM_022166.3); short protein forms S187N.
Identifiers: ClinVar variation 1896272 (VCV001896272.5), dbSNP rs779556597, ClinGen allele CA7928166.

ClinVar aggregate classification (germline): Uncertain significance. Review status: criteria provided, multiple submitters, no conflicts (2 of 4 stars). 2 submissions from 2 submitters: Uncertain significance (2). Last evaluated 2024-11-26.

Conditions:
Inborn genetic diseases. Identifiers: MedGen C0950123, MeSH D030342.
Desbuquois dysplasia 1 (DBQD1). Also called: MICROMELIC DWARFISM WITH VERTEBRAL AND METAPHYSEAL ABNORMALITIES AND ADVANCED CARPOTARSAL OSSIFICATION; DESBUQUOIS DYSPLASIA 1, KIM VARIANT. Identifiers: Orphanet 1425, MedGen C4012146, MONDO:0009629, OMIM 251450.

Allele frequency attached by ClinVar (database versions not stated): TOPMed 0.00002; gnomAD 0.00003; ExAC 0.00004.
gnomAD v4.1: 49 of 1,614,066 alleles (0.003%); highest among the groups gnomAD compares: Non-Finnish European, 0.0041%; no homozygotes.

Submissions (2):

Ambry Genetics
Classification: Uncertain significance for Inborn genetic diseases. Last evaluated: 2024-11-26. Review status: criteria provided, single submitter. Criteria: Ambry Variant Classification Scheme 2023. Collection method: clinical testing. Allele origin: germline.

Labcorp Genetics (formerly Invitae), Labcorp
Classification: Uncertain significance for Desbuquois dysplasia 1. Last evaluated: 2024-10-23. Review status: criteria provided, single submitter. Criteria: Invitae Variant Classification Sherloc (09022015). Collection method: clinical testing. Allele origin: germline.
Comment: This sequence change replaces serine, which is neutral and polar, with asparagine, which is neutral and polar, at codon 187 of the XYLT1 protein (p.Ser187Asn). This variant is present in population databases (rs779556597, gnomAD 0.006%). This variant has not been reported in the literature in individuals affected with XYLT1-related conditions. ClinVar contains an entry for this variant (Variation ID: 1896272). Invitae Evidence Modeling of protein sequence and biophysical properties (such as structural, functional, and spatial information, amino acid conservation, physicochemical variation, residue mobility, and thermodynamic stability) indicates that this missense variant is not expected to disrupt XYLT1 protein function with a negative predictive value of 80%. In summary, the available evidence is currently insufficient to determine the role of this variant in disease. Therefore, it has been classified as a Variant of Uncertain Significance.